The following is an entry in ClinVar:

ClinVar aggregate classification (germline): Uncertain significance (1 of 4 stars; one submission).

Allele frequency attached by ClinVar (database versions not stated): ExAC 0.00001; gnomAD 0.00001; 1000 Genomes Project 30x 0.00016; 1000 Genomes Project 0.00020.
gnomAD v4.1: 1 of 1,614,048 alleles (0.000062%); highest among the groups gnomAD compares: Admixed American, 0.0017%; no homozygotes.

Submission:

Labcorp Genetics (formerly Invitae), Labcorp
Classification: Uncertain significance. Last evaluated: 2023-11-27. Review status: criteria provided, single submitter. Criteria: Invitae Variant Classification Sherloc (09022015). Collection method: clinical testing. Allele origin: germline.
Comment: This sequence change replaces serine, which is neutral and polar, with threonine, which is neutral and polar, at codon 52 of the NALCN protein (p.Ser52Thr). This variant is present in population databases (rs188237867, gnomAD 0.003%). This variant has not been reported in the literature in individuals affected with NALCN-related conditions. Advanced modeling of protein sequence and biophysical properties (such as structural, functional, and spatial information, amino acid conservation, physicochemical variation, residue mobility, and thermodynamic stability) performed at Invitae indicates that this missense variant is not expected to disrupt NALCN protein function with a negative predictive value of 80%. In summary, the available evidence is currently insufficient to determine the role of this variant in disease. Therefore, it has been classified as a Variant of Uncertain Significance.

NM_052867.4(NALCN):c.154T>A (p.Ser52Thr)

Gene: NALCN (sodium leak channel, non-selective; minus strand). Cytogenetic location: 13q33.1.
Variant type: single nucleotide variant.
Coding change: c.154T>A on transcript NM_052867.4 (MANE Select); coding-DNA position 154, T replaced by A.
Protein change: p.Ser52Thr; replaces serine 52 with threonine.
Molecular consequence: missense variant.
Genome position (GRCh38, 1-based): chr13:101,395,320, A>T on the plus strand (T>A on the coding strand, the complement: NALCN is on the minus strand). VCF-style: chr13-101395320-A-T. GRCh37 (hg19) VCF-style: chr13-102047671-A-T.
Other names: c.154T>A, p.Ser52Thr (NM_001350748.2, NM_001350749.2, NM_001350750.2 and 1 more transcripts); short protein forms S52T.
Identifiers: ClinVar variation 2797630 (VCV002797630.3), dbSNP rs188237867, ClinGen allele CA7036532.
Genomic context (GRCh38, chr13:101,395,320, plus strand): 5'-AGGTCACATACTGAAGTGGAGGATAGTGCTCGAAGGTCATTGGCGTATTCATACAAACAG[A>T]AATGACGCTGATGATGGCACAGATGCGCAGCAAAGAGTGAACCCACTGCAATGATGGTCC-3'
Protein context (NP_443099.1, residues 42-62): LRICAIISVI[Ser52Thr]VCMNTPMTFE